The following continues an entry in ClinVar:

NM_004004.6(GJB2):c.109G>A (p.Val37Ile)

Gene: GJB2. ClinVar aggregate classification (germline): Pathogenic. Pathogenic (1).

Submissions 23 to 37 of 65:

GeneDx
Classification: Pathogenic. Last evaluated: 2024-04-08. Review status: criteria provided, single submitter. Criteria: GeneDx Variant Classification Process June 2021. Collection method: clinical testing. Allele origin: germline. Affected: yes. Not counted in ClinVar's aggregate classification.
Comment: Case control studies suggest this variant is associated with hearing loss; homozygous and compound heterozygous genotypes are statistically enriched in individuals with autosomal recessive nonsyndromic hearing loss compared to the general population (PMID: 31160754); Classified as pathogenic by the ClinGen Hearing Loss Expert Panel, and noted to show variable expressivity and incomplete penetrance (PMID: 31160754, 26582918); In silico analysis indicates that this missense variant does not alter protein structure/function; This variant is associated with the following publications: (PMID: 16380907, 15070423, 15479191, 22975760, 22995991, 12792423, 10830906, 19586875, 30473554, 17036313, 25087612, 30609409, 34416374, 30311386, 34943631, 23638949, 24645897, 9529365, 25262649, 17935238, 23873582, 24654934, 12505163, 22613756, 24158611, 22106692, 24212883, 16300957, 19707039, 24945352, 22574200, 23637863, 26088551, 16840571, 17041943, 10633133, 12121355, 22567861, 27623246, 27792752, 19043807, 26885124, 26061099, 27153395, 26896187, 27308839, 26104599, 25388846, 28012523, 28901477, 28786104, 26990548, 26119842, 16952406, 29921236, 29287868, 28489599, 30094485, 30693673, 31195736, 31370293, 30733538, 31180159, 30344259, 30146550, 31914302, 31541171, 31827275, 31980526, 32386258, 30896630, 33724713, 32645618, 30872718, 34062854, 33597575, 33638616, 30828346, 34426522, 34192699, 33096615, 32067424, 33095980, 31078570, 35861108, 37248651, 36190904, 34515852, 37838930, 35853923, 37070846, 35939872, 36597107, 36515421, 34519870, 38069086, 35734583, 36453950, 35982127, 36048236, 37271870, 38254107, 35816303, 35314707, 34403091, 35478332, 36147510, 35611242, 34599368, 35016843, 35114279, 34032567, 31160754, 27535533, 26582918)

Institute of Human Genetics, University of Leipzig Medical Center
Classification: Pathogenic for Autosomal recessive nonsyndromic hearing loss 1A. Last evaluated: 2024-03-25. Review status: criteria provided, single submitter. Criteria: ACMG Guidelines, 2015. Collection method: clinical testing. Allele origin: paternal. Inheritance: Autosomal recessive inheritance. Affected: yes. Not counted in ClinVar's aggregate classification.
Comment: Criteria applied: PS3_MOD,PM3_VSTR,PM5_STRPP1_VSTR,PP3

Rady Children's Institute for Genomic Medicine, Rady Children's Hospital San Diego
Classification: Pathogenic for GJB2-related disorders. Last evaluated: 2024-03-23. Review status: criteria provided, single submitter. Criteria: ACMG Guidelines, 2015. Collection method: clinical testing. Allele origin: germline. Affected: yes. Not counted in ClinVar's aggregate classification.
Comment: The c.109G>A (p.Val37Ile) variant affects a highly conserved amino acid and is predicted by multiple in silico tools to have a deleterious effect on protein function. This is a known Pathogenic variant and it has been previously reported as homozygous and compound heterozygous change in individuals with nonsyndromic hearing loss (PMID: 31160754, 9529365, 10982180, 12121355, 16380907, 16840571, 17036313, 17041943, 17935238). Functional studies have shown that this variant may have a damaging effect on intercellular biochemical permeability and conductance of the connexin 26 channel (PMID: 12505163). This variant has been classified as Pathogenic by ClinGen Expert Panel (PMID: 31160754; ClinVar). The c.109G>A (p.Val37Ile) variant is present in the gnomAD v4 population database at a frequency of 0.2% (3869/1613686) in the heterozygous state and reported in 101 individuals in the homozygous state. Based on the available evidence, the c.109G>A (p.Val37Ile) variant is classified as Pathogenic.

Fulgent Genetics
Classification: Pathogenic for Mutilating keratoderma; Autosomal dominant keratitis-ichthyosis-hearing loss syndrome; Palmoplantar keratoderma-deafness syndrome; Knuckle pads, deafness AND leukonychia syndrome; Autosomal recessive nonsyndromic hearing loss 1A; Autosomal dominant nonsyndromic hearing loss 3A. Last evaluated: 2024-03-13. Review status: criteria provided, single submitter. Criteria: ACMG Guidelines, 2015. Collection method: clinical testing. Allele origin: germline. Not counted in ClinVar's aggregate classification.

Molecular Genetics, Royal Melbourne Hospital
Classification: Pathogenic for Autosomal recessive nonsyndromic hearing loss 1A. Last evaluated: 2024-03-01. Review status: criteria provided, single submitter. Criteria: ACMG Guidelines, 2015. Collection method: clinical testing. Allele origin: germline. Inheritance: Autosomal recessive inheritance. Not counted in ClinVar's aggregate classification.
Comment: This sequence change is predicted to replace valine with isoleucine at codon 371 of the GJB2 protein, p.(Val37Ile). The valine residue is highly conserved (100 vertebrates, Multiz alignments), and located in the connexin domain. There is a small physicochemical difference between valine and isoleucine. The highest population minor allele frequency in the population database gnomAD v4.0 is 4.5% (2,013/44,852 alleles, 90 homozygotes) in the East Asian population, which is higher than expected for a recessive disease. The prevalence of the variant in individuals with nonsyndromic deafness is significantly increased compared with the prevalence in controls (PMID: 31160754). The variant has been identified as compound heterozygous with a second pathogenic allele in more than a hundred individuals and homozygous in more than a hundred individuals, typically manifesting with mild to moderate hearing loss (PMID: 31160754). The variant segregates in at least 21 affected siblings over multiple families (PMID: 31160754). Additionally, in vitro functional studies of the variant demonstrate impaired function (PMID: 12505163, 16300957, 26088551). Computational evidence predicts a deleterious effect for the missense substitution (REVEL = 0.656). Based on the classification scheme RMH ACMG Guidelines v1.6.1, this variant is classified as PATHOGENIC, with reduced penetrance. Following criteria are met: PP1_Strong, PM3_VeryStrong, PS3_Supporting, PP3, BS1.

Laboratory of Medical Genetics, National & Kapodistrian University of Athens
Classification: Pathogenic for Autosomal recessive nonsyndromic hearing loss 1A. Last evaluated: 2024-02-01. Review status: criteria provided, single submitter. Criteria: ACMG Guidelines, 2015. Collection method: curation. Allele origin: germline. Affected: no. Not counted in ClinVar's aggregate classification.

Department of Pathology and Laboratory Medicine, Sinai Health System
Classification: Pathogenic for Knuckle pads, deafness AND leukonychia syndrome; Mutilating keratoderma; Palmoplantar keratoderma-deafness syndrome. Last evaluated: 2024-01-03. Review status: criteria provided, single submitter. Criteria: ACMG Guidelines, 2015. Collection method: research. Allele origin: germline. Not counted in ClinVar's aggregate classification.

Laboratory for Molecular Medicine, Mass General Brigham Personalized Medicine
Classification: Pathogenic for Nonsyndromic genetic hearing loss. Last evaluated: 2024-01-03. Review status: criteria provided, single submitter. Criteria: ACMG Guidelines, 2015. Collection method: clinical testing. Allele origin: germline. Inheritance: Autosomal recessive inheritance. Not counted in ClinVar's aggregate classification.
Comment: The p.Val37Ile variant in GJB2 is a well established allele that is known to be pathogenic in the homozygous state or in the compound heterozygous state with another pathogenic GJB2 variant and typically results in a mild to moderate hearing loss (Snoeckx 2005 PMID: 16380907, Huculak 2006 PMID: 17036313, Pollak 2007 PMID: 17935238). In rare cases, it may even be associated with normal hearing. Additionally, it has been reported as pathogenic in ClinVar by the ClinGen Hearing Loss Expert panel (Variation ID 17023; Shen 2019 PMID: 31160754). In summary, this variant meets criteria to be classified as pathogenic for autosomal recessive non-syndromic hearing loss. ACMG/AMP Criteria applied: PP1_Strong, PM3_VeryStrong.

Baylor Genetics
Classification: Pathogenic for GJB2-Related Autosomal Recessive Nonsyndromic Hearing Loss. Last evaluated: 2023-10-31. Review status: criteria provided, single submitter. Criteria: ACMG Guidelines, 2015. Collection method: clinical testing. Allele origin: unknown. Not counted in ClinVar's aggregate classification.

Integrating Genomics into Medicine, Frazer Institute, University Of Queensland
Classification: Pathogenic for Autosomal recessive nonsyndromic hearing loss 1A. Last evaluated: 2023-06-02. Review status: criteria provided, single submitter. Criteria: ACMG Guidelines, 2015. Collection method: clinical testing. Allele origin: germline. Affected: yes. Not counted in ClinVar's aggregate classification.

Laboratorio de Genetica e Diagnostico Molecular, Hospital Israelita Albert Einstein
Classification: Pathogenic for Autosomal recessive nonsyndromic hearing loss 1A. Last evaluated: 2023-01-10. Review status: criteria provided, single submitter. Criteria: ACMG Guidelines, 2015. Collection method: clinical testing. Allele origin: germline. Affected: yes. Observed: 1 variant allele. Not counted in ClinVar's aggregate classification.
Comment: ACMG classification criteria: PS4 strong, PM3 moderated, PP1 strong

MGZ Medical Genetics Center
Classification: Pathogenic for Autosomal recessive nonsyndromic hearing loss 1A. Last evaluated: 2022-07-04. Review status: criteria provided, single submitter. Criteria: ACMG Guidelines, 2015. Collection method: clinical testing. Allele origin: germline. Affected: yes. Observed: 1 variant allele. Not counted in ClinVar's aggregate classification.
Comment: ACMG criteria applied: PS4, PP1_STR, PM3, PP3

Baylor Genetics
Classification: Pathogenic for Autosomal dominant nonsyndromic hearing loss 3A. Last evaluated: 2021-10-17. Review status: criteria provided, single submitter. Criteria: ACMG Guidelines, 2015. Collection method: clinical testing. Allele origin: unknown. Not counted in ClinVar's aggregate classification.

Genome-Nilou Lab
Classification: Pathogenic for Autosomal recessive nonsyndromic hearing loss 1A. Last evaluated: 2021-07-22. Review status: criteria provided, single submitter. Criteria: ACMG Guidelines, 2015. Collection method: clinical testing. Allele origin: germline. Affected: no. Not counted in ClinVar's aggregate classification.

Department of Otolaryngology – Head & Neck Surgery, Cochlear Implant Center
Classification: Pathogenic for Hearing impairment. Last evaluated: 2021-04-12. Review status: criteria provided, single submitter. Criteria: ClinGen HL ACMG Specifications v1. Collection method: clinical testing. Allele origin: germline. Affected: yes. Not counted in ClinVar's aggregate classification.
Comment: PS1_Very strong, PM3_Supporting, PM5_Moderate, PP3_Supporting